The following is an entry in ClinVar:

ClinVar aggregate classification (germline): Conflicting classifications of pathogenicity. Review status: criteria provided, conflicting classifications (1 of 4 stars). 3 submissions from 3 submitters: Uncertain significance (2); Likely benign (1). Last evaluated 2025-12-03.

Conditions:
Kabuki syndrome. Also called: Kabuki make-up syndrome; NIIKAWA-KUROKI SYNDROME. Identifiers: Orphanet 2322, MedGen C0796004, MONDO:0016512.
Kabuki syndrome 1 (KABUK1). Also called: KMT2D-Related Kabuki Syndrome. Identifiers: Orphanet 2322, MedGen CN030661, MONDO:0007843, OMIM 147920.

Allele frequency attached by ClinVar (database versions not stated): gnomAD exomes 0.00001.
gnomAD v4.1: 18 of 1,611,742 alleles (0.0011%); highest among the groups gnomAD compares: South Asian, 0.017%; no homozygotes.

Submissions (3):

Labcorp Genetics (formerly Invitae), Labcorp
Classification: Likely benign for Kabuki syndrome. Last evaluated: 2025-12-03. Review status: criteria provided, single submitter. Criteria: Invitae Variant Classification Sherloc (09022015). Collection method: clinical testing. Allele origin: germline.

New York Genome Center
Classification: Uncertain significance for Kabuki syndrome 1. Last evaluated: 2020-05-29. Review status: criteria provided, single submitter. Criteria: NYGC Assertion Criteria 2020. Collection method: clinical testing. Allele origin: inherited. Observed: 1 heterozygote. Study: CSER-NYCKidSeq.
Comment: The inherited c.10946G>T (p.Gly3649Val) variant identified in the KMT2D gene substitutes a moderately conserved Glycine for Valine at amino acid 3649/5538 (coding exon 40/55). This variant is absent from gnomAD(v3.0) suggesting it is not a common benign variant in the populations represented in that database. In silico algorithms do not agree on the effect of this variant, as it is predicted both Neutral (Provean; score: -1.11) and Damaging (SIFT; score:0.011) to the function of the canonical transcript. This variant is absent from ClinVar and to our current knowledge has not been reported in affected individuals in the literature. The p.Gly3649 residue is not within a mapped domain of KMT2D (UniProtKB: O14686), however missense variants throughout the gene, including within this region have been reported [PMID:24633898; PMID:30107592]. Given the lack of compelling evidence for its pathogenicity, the inherited c.10946G>T (p.Gly3649Val) variant identified in the KMT2D gene of this individual is reported here as a Variant of Uncertain Significance.

Neuberg Centre For Genomic Medicine, NCGM
Classification: Uncertain significance for Kabuki syndrome 1. Review status: criteria provided, single submitter. Criteria: ACMG Guidelines, 2015. Collection method: clinical testing. Allele origin: germline. Inheritance: Autosomal dominant inheritance. Affected: yes.
Comment: The missense variant c.10946G>T(p.Gly3649Val) in the KMT2D gene has not been reported previously as a pathogenic variant nor as a benign variant, to our knowledge. The variant is absent in gnomAD Exomes. This variant has been reported to the ClinVar database as Uncertain Significance/ Likely benign. However, no details are available for independent assessment. The amino acid Glycine at position 3649 is changed to a Valine changing protein sequence and it might alter its composition and physico- chemical properties. The amino acid change p.Gly3649Val in KMT2D is predicted as conserved by GERP++ and PhyloP across 100 vertebrates. For these reasons, this variant has been classified as Uncertain Significance.

NM_003482.4(KMT2D):c.10946G>T (p.Gly3649Val)

Gene: KMT2D (lysine methyltransferase 2D; minus strand). Cytogenetic location: 12q13.12.
Variant type: single nucleotide variant.
Coding change: c.10946G>T on transcript NM_003482.4 (MANE Select); coding-DNA position 10946, G replaced by T.
Protein change: p.Gly3649Val; replaces glycine 3649 with valine.
Molecular consequence: missense variant.
Genome position (GRCh38, 1-based): chr12:49,033,759, C>A on the plus strand (G>T on the coding strand, the complement: KMT2D is on the minus strand). VCF-style: chr12-49033759-C-A. GRCh37 (hg19) VCF-style: chr12-49427542-C-A.
Other names: short protein forms G3649V.
Identifiers: ClinVar variation 1184337 (VCV001184337.7), dbSNP rs1943073751, ClinGen allele CA384724711.